The following is an entry in ClinVar:

NM_001145715.3(KPNA7):c.809A>C (p.Asp270Ala)

Gene: KPNA7 (karyopherin subunit alpha 7; minus strand). Cytogenetic location: 7q22.1.
Variant type: single nucleotide variant.
Coding change: c.809A>C on transcript NM_001145715.3 (MANE Select); coding-DNA position 809, A replaced by C.
Protein change: p.Asp270Ala; replaces aspartic acid 270 with alanine.
Molecular consequence: missense variant.
Genome position (GRCh38, 1-based): chr7:99,188,391, T>G on the plus strand (A>C on the coding strand, the complement: KPNA7 is on the minus strand). VCF-style: chr7-99188391-T-G. GRCh37 (hg19) VCF-style: chr7-98786014-T-G.
Other names: short protein forms D270A.
Identifiers: ClinVar variation 1993209 (VCV001993209.4), dbSNP rs2535460615, ClinGen allele CA368419751.

ClinVar aggregate classification (germline): Uncertain significance (1 of 4 stars; one submission).

Submission:

Labcorp Genetics (formerly Invitae), Labcorp
Classification: Uncertain significance. Last evaluated: 2023-12-11. Review status: criteria provided, single submitter. Criteria: Invitae Variant Classification Sherloc (09022015). Collection method: clinical testing. Allele origin: germline.
Comment: This sequence change replaces aspartic acid, which is acidic and polar, with alanine, which is neutral and non-polar, at codon 270 of the KPNA7 protein (p.Asp270Ala). This variant is not present in population databases (gnomAD no frequency). This variant has not been reported in the literature in individuals affected with KPNA7-related conditions. ClinVar contains an entry for this variant (Variation ID: 1993209). Advanced modeling of protein sequence and biophysical properties (such as structural, functional, and spatial information, amino acid conservation, physicochemical variation, residue mobility, and thermodynamic stability) performed at Invitae indicates that this missense variant is not expected to disrupt KPNA7 protein function with a negative predictive value of 80%. In summary, the available evidence is currently insufficient to determine the role of this variant in disease. Therefore, it has been classified as a Variant of Uncertain Significance.